The following is an entry in ClinVar:

ClinVar aggregate classification (germline): Benign/Likely benign. Review status: criteria provided, multiple submitters, no conflicts (2 of 4 stars). 4 submissions from 4 submitters: Benign (1); Likely benign (3). Last evaluated 2025-06-15.

Conditions:
Hereditary cancer-predisposing syndrome. Also called: Neoplastic Syndromes, Hereditary; Tumor predisposition; Hereditary Cancer Syndrome; Hereditary neoplastic syndrome. Identifiers: Orphanet 140162, MedGen C0027672, MeSH D009386, MONDO:0015356.
Familial adenomatous polyposis 1 (FAP1). Also called: FAMILIAL ADENOMATOUS POLYPOSIS 1, ATTENUATED; POLYPOSIS, ADENOMATOUS INTESTINAL. Identifiers: MedGen C2713442, MONDO:0021056, OMIM 175100. Disease mechanism: loss of function.

Submissions (4):

Labcorp Genetics (formerly Invitae), Labcorp
Classification: Likely benign for Familial adenomatous polyposis 1. Last evaluated: 2025-06-15. Review status: criteria provided, single submitter. Criteria: Invitae Variant Classification Sherloc (09022015). Collection method: clinical testing. Allele origin: germline.

Myriad Genetics, Inc.
Classification: Benign for Familial adenomatous polyposis 1. Last evaluated: 2024-03-21. Review status: criteria provided, single submitter. Criteria: Myriad Autosomal Dominant, Autosomal Recessive and X-Linked Classification Criteria (2023). Collection method: clinical testing. Allele origin: unknown.
Comment: This variant is considered benign. This variant is a silent/synonymous amino acid change and it is not expected to impact splicing.

Ambry Genetics
Classification: Likely benign for Hereditary cancer-predisposing syndrome. Last evaluated: 2022-02-18. Review status: criteria provided, single submitter. Criteria: Ambry Variant Classification Scheme 2023. Collection method: clinical testing. Allele origin: germline.

Color Diagnostics, LLC DBA Color Health
Classification: Likely benign for Hereditary cancer-predisposing syndrome. Last evaluated: 2019-08-09. Review status: criteria provided, single submitter. Criteria: ACMG Guidelines, 2015. Collection method: clinical testing. Allele origin: germline.

NM_000038.6(APC):c.3597G>A (p.Lys1199=)

Gene: APC (APC regulator of Wnt signaling pathway; plus strand). Cytogenetic location: 5q22.2.
Variant type: single nucleotide variant.
Coding change: c.3597G>A on transcript NM_000038.6 (MANE Select); coding-DNA position 3597, G replaced by A.
Protein change: p.Lys1199=; no amino-acid change (lysine 1199 retained).
Molecular consequence: synonymous variant.
Genome position (GRCh38, 1-based): chr5:112,839,191, G>A. VCF-style: chr5-112839191-G-A. GRCh37 (hg19) VCF-style: chr5-112174888-G-A.
Other names: c.3651G>A, p.Lys1217= (NM_001354896.2); c.3627G>A, p.Lys1209= (NM_001354897.2); c.3522G>A, p.Lys1174= (NM_001354898.2); c.3513G>A, p.Lys1171= (NM_001354899.2); c.3474G>A, p.Lys1158= (NM_001354900.2); c.3420G>A, p.Lys1140= (NM_001354901.2); c.3324G>A, p.Lys1108= (NM_001354902.2); c.3597G>A, p.Lys1199= (NM_001127510.3, NM_001354895.2); and 5 more.
Identifiers: ClinVar variation 924030 (VCV000924030.12), dbSNP rs1765466754, ClinGen allele CA445963641.